The following is an entry in ClinVar:

NM_021913.5(AXL):c.1549G>A (p.Gly517Ser)

Gene: AXL (AXL receptor tyrosine kinase; plus strand). Cytogenetic location: 19q13.2.
Variant type: single nucleotide variant.
Coding change: c.1549G>A on transcript NM_021913.5 (MANE Select); coding-DNA position 1549, G replaced by A.
Protein change: p.Gly517Ser; replaces glycine 517 with serine.
Molecular consequence: missense variant.
Genome position (GRCh38, 1-based): chr19:41,248,525, G>A. VCF-style: chr19-41248525-G-A. GRCh37 (hg19) VCF-style: chr19-41754430-G-A.
Other names: c.745G>A, p.Gly249Ser (NM_001278599.2); c.1522G>A, p.Gly508Ser (NM_001699.6); short protein forms G508S, G517S, G249S.
Identifiers: ClinVar variation 785827 (VCV000785827.36), dbSNP rs35538872, ClinGen allele CA9458371.

ClinVar aggregate classification (germline): Likely benign. Review status: criteria provided, multiple submitters, no conflicts (2 of 4 stars). 5 submissions from 5 submitters: Likely benign (4). 1 of the submissions does not count toward it. Last evaluated 2026-01-22.

Conditions:
Hypogonadotropic hypogonadism 7 with or without anosmia (HH7). Also called: GNRHR-Related GnRH Deficiency; HYPOGONADOTROPIC HYPOGONADISM 7 WITHOUT ANOSMIA. Identifiers: Orphanet 432, MedGen C0342384, MONDO:0007794, OMIM 146110.
Amenorrhea. Identifiers: MedGen C0002453, MONDO:0001836, HP:0000141.

Allele frequency attached by ClinVar (database versions not stated): 1000 Genomes Project 30x 0.00203; 1000 Genomes Project 0.00220; TOPMed 0.00408; gnomAD 0.00419 and 0.00420; gnomAD exomes 0.00422 and 0.00652; ExAC 0.00453; ESP Exome Variant Server 0.00484.
gnomAD v4.1: 10,125 of 1,614,188 alleles (0.63%); highest among the groups gnomAD compares: Non-Finnish European, 0.77%; 45 homozygotes.

Submissions (5):

Labcorp Genetics (formerly Invitae), Labcorp
Classification: Likely benign. Last evaluated: 2026-01-22. Review status: criteria provided, single submitter. Criteria: Invitae Variant Classification Sherloc (09022015). Collection method: clinical testing. Allele origin: germline.

CeGaT Center for Human Genetics Tuebingen
Classification: Likely benign. Last evaluated: 2023-03-01. Review status: criteria provided, single submitter. Criteria: CeGaT Center For Human Genetics Tuebingen Variant Classification Criteria Version 2. Collection method: clinical testing. Allele origin: germline. Affected: yes. Observed: 2 variant alleles.
Comment: AXL: BS2

Fulgent Genetics
Classification: Likely benign for Hypogonadotropic hypogonadism 7 with or without anosmia. Last evaluated: 2021-09-27. Review status: criteria provided, single submitter. Criteria: ACMG Guidelines, 2015. Collection method: clinical testing. Allele origin: unknown.

Breakthrough Genomics
Classification: Likely benign. Review status: criteria provided, single submitter. Criteria: ACMG Guidelines, 2015. Collection method: not provided. Allele origin: germline. Inheritance: Unknown mechanism. Affected: yes.

Yale Center for Mendelian Genomics, Yale University
Classification: Uncertain significance for Amenorrhea. Last evaluated: 2021-03-08. Review status: no assertion criteria provided. Collection method: literature only. Allele origin: unknown. Affected: yes. Observed: 1 heterozygote. Study: Yale Center for Mendelian Genomics. Not counted in ClinVar's aggregate classification.

Literature cited by the submitters: PubMed 32870266 (cited by Yale Center for Mendelian Genomics, Yale University).